The following is an entry in ClinVar:

NM_001009944.3(PKD1):c.7138G>T (p.Glu2380Ter)

Gene: PKD1 (polycystin 1, transient receptor potential channel interacting; minus strand). Cytogenetic location: 16p13.3.
Variant type: single nucleotide variant.
Coding change: c.7138G>T on transcript NM_001009944.3 (MANE Select); coding-DNA position 7138, G replaced by T.
Protein change: p.Glu2380Ter; replaces glutamic acid 2380 with a stop codon.
Molecular consequence: nonsense.
Genome position (GRCh38, 1-based): chr16:2,106,876, C>A on the plus strand (G>T on the coding strand, the complement: PKD1 is on the minus strand). VCF-style: chr16-2106876-C-A. GRCh37 (hg19) VCF-style: chr16-2156877-C-A.
Other names: c.7138G>T, p.Glu2380Ter (NM_000296.4); short protein forms E2380*.
Identifiers: ClinVar variation 3213505 (VCV003213505.4), dbSNP rs778386729, ClinGen allele CA394371892.

ClinVar aggregate classification (germline): Pathogenic. Review status: criteria provided, multiple submitters, no conflicts (2 of 4 stars). 3 submissions from 3 submitters: Pathogenic (3). Last evaluated 2026-04-25.

Conditions:
Polycystic kidney disease, adult type (PKD1). Also called: Polycystic Kidney Disease 1, Autosomal Dominant; Polycystic kidney disease 1; Polycystic kidney disease 1, severe; POLYCYSTIC KIDNEY DISEASE, ADULT, TYPE I; Polycystic Kidney, Autosomal Dominant; POLYCYSTIC KIDNEY DISEASE 1 WITH OR WITHOUT POLYCYSTIC LIVER DISEASE. Identifiers: MedGen C3149841, MONDO:0008263, OMIM 173900.
PKD1-related disorder. Also called: PKD1-related condition.
Inborn genetic diseases. Identifiers: MedGen C0950123, MeSH D030342.

Submissions (3):

PreventionGenetics, part of Exact Sciences
Classification: Pathogenic for PKD1-related condition. Last evaluated: 2026-04-25. Review status: criteria provided, single submitter. Criteria: ACMG Guidelines, 2015. Collection method: clinical testing. Allele origin: germline.
Comment: The PKD1 c.7138G>T variant is predicted to result in premature protein termination (p.Glu2380*). This variant was reported in an individual with autosomal dominant polycystic kidney disease (ADPKD) (Table S1, Kurashige et al. 2015. PubMed ID: 24611717). This variant has not been reported in a large population database (gnomAD), indicating this variant is rare. Nonsense variants in PKD1 are expected to be pathogenic. This variant is interpreted as pathogenic.

Ambry Genetics
Classification: Pathogenic for Inborn genetic diseases. Last evaluated: 2023-12-22. Review status: criteria provided, single submitter. Criteria: Ambry Variant Classification Scheme 2023. Collection method: clinical testing. Allele origin: germline.
Comment: The c.7138G>T (p.E2380*) alteration, located in exon 17 (coding exon 17) of the PKD1 gene, consists of a G to T substitution at nucleotide position 7138. This changes the amino acid from a glutamic acid (E) to a stop codon at amino acid position 2380. This alteration is expected to result in loss of function by premature protein truncation or nonsense-mediated mRNA decay. This variant was not reported in population-based cohorts in the Genome Aggregation Database (gnomAD). This alteration has been detected in an individual with a clinical diagnosis of autosomal dominant polycystic kidney disease (Kurashige, 2015). Based on the available evidence, this alteration is classified as pathogenic.

Juno Genomics, Hangzhou Juno Genomics, Inc
Classification: Pathogenic for Polycystic kidney disease, adult type. Review status: criteria provided, single submitter. Criteria: ACMG Guidelines, 2015. Collection method: clinical testing. Allele origin: germline. Affected: yes.
Comment: Absent from controls (or at extremely low frequency if recessive) in Genome Aggregation Database, Exome Sequencing Project, 1000 Genomes Project, or Exome Aggregation Consortium.;Null variant in a gene where loss of function (LOF) is a known mechanism of disease.;The prevalence of the variant in affected individuals is significantly increased compared to the prevalence in controls.;Patient's phenotype or family history is highly specific for a disease with a single genetic etiology.

Literature cited by the submitters: PubMed 24611717 (cited by Ambry Genetics).